The following is an entry in ClinVar:

NM_000642.3(AGL):c.1688delinsGA (p.Leu563fs)

Gene: AGL (amylo-alpha-1,6-glucosidase and 4-alpha-glucanotransferase; plus strand). Cytogenetic location: 1p21.2.
Variant type: Indel.
Coding change: c.1688delinsGA on transcript NM_000642.3 (MANE Select); coding-DNA position 1688, T replaced by GA.
Protein change: p.Leu563fs; shifts the reading frame from leucine 563.
Molecular consequence: frameshift variant.
Genome position (GRCh38, 1-based): chr1:99,879,999, T replaced by GA. VCF-style: chr1-99879999-T-GA. GRCh37 (hg19) VCF-style: chr1-100345555-T-GA.
Other names: c.1688delTinsGA, p.Leu563Argfs (NM_000028.3, NM_000643.3, NM_000644.3 and 2 more transcripts); c.1640delTinsGA, p.Leu547Argfs (NM_000646.3); c.1487delTinsGA, p.Leu496Argfs (NM_001425327.1); c.1484delTinsGA, p.Leu495Argfs (NM_001425328.1, NM_001425329.1); c.1310delTinsGA, p.Leu437Argfs (NM_001425332.1); short protein forms L547fs, L563fs.
Identifiers: ClinVar variation 970713 (VCV000970713.7), dbSNP rs1651876879, ClinGen allele CA1139656244.
Genomic context (GRCh38, chr1:99,879,999, plus strand): 5'-CTAGGAATTTGCAACCCAATTTATATGTAGTAGCTGAACTGTTCACAGGAAGTGAAGATC[T>GA]GGACAATGTCTTTGTTACTAGACTGGGCATTAGTTCCTTAATAAGAGGTAGGCTTGTTGG-3'

ClinVar aggregate classification (germline): Pathogenic/Likely pathogenic. Review status: criteria provided, multiple submitters, no conflicts (2 of 4 stars). 2 submissions from 2 submitters: Pathogenic (1); Likely pathogenic (1). Last evaluated 2024-12-31.

Conditions:
Glycogen storage disease type III (GSD3). Also called: FORBES DISEASE; Cori disease. Identifiers: Orphanet 366, MedGen C0017922, MONDO:0009291, OMIM 232400.

Submissions (2):

Labcorp Genetics (formerly Invitae), Labcorp
Classification: Pathogenic for Glycogen storage disease type III. Last evaluated: 2024-12-31. Review status: criteria provided, single submitter. Criteria: Invitae Variant Classification Sherloc (09022015). Collection method: clinical testing. Allele origin: germline.
Comment: This sequence change creates a premature translational stop signal (p.Leu563Argfs*8) in the AGL gene. It is expected to result in an absent or disrupted protein product. Loss-of-function variants in AGL are known to be pathogenic (PMID: 19299494). Information on the frequency of this variant in the gnomAD database is not available, as this variant may be reported differently in the database. This variant has not been reported in the literature in individuals affected with AGL-related conditions. For these reasons, this variant has been classified as Pathogenic.

Baylor Genetics
Classification: Likely pathogenic for Glycogen storage disease type III. Last evaluated: 2023-03-15. Review status: criteria provided, single submitter. Criteria: ACMG Guidelines, 2015. Collection method: clinical testing. Allele origin: unknown.

Literature cited by the submitters: PubMed 19299494 (cited by Labcorp Genetics (formerly Invitae), Labcorp).